The following is an entry in ClinVar:

ClinVar aggregate classification (germline): Uncertain significance. Review status: criteria provided, multiple submitters, no conflicts (2 of 4 stars). 2 submissions from 2 submitters: Uncertain significance (2). Last evaluated 2025-04-22.

Conditions:
Cardiovascular phenotype. Identifiers: MedGen CN230736.
Brugada syndrome 8 (BRGDA8). Identifiers: Orphanet 130, MedGen C2751083, MONDO:0013148, OMIM 613123.

Allele frequency attached by ClinVar (database versions not stated): TOPMed below 0.00001; ExAC 0.00001; ESP Exome Variant Server 0.00008.
gnomAD v4.1: 1 of 1,601,284 alleles (0.000062%); highest among the groups gnomAD compares: African/African-American, 0.0013%; no homozygotes.

Submissions (2):

Labcorp Genetics (formerly Invitae), Labcorp
Classification: Uncertain significance for Brugada syndrome 8. Last evaluated: 2025-04-22. Review status: criteria provided, single submitter. Criteria: Invitae Variant Classification Sherloc (09022015). Collection method: clinical testing. Allele origin: germline.
Comment: This sequence change replaces valine, which is neutral and non-polar, with leucine, which is neutral and non-polar, at codon 1195 of the HCN4 protein (p.Val1195Leu). The frequency data for this variant in the population databases is considered unreliable, as metrics indicate poor data quality at this position in the gnomAD database. This variant has not been reported in the literature in individuals affected with HCN4-related conditions. ClinVar contains an entry for this variant (Variation ID: 1732918). Invitae Evidence Modeling of protein sequence and biophysical properties (such as structural, functional, and spatial information, amino acid conservation, physicochemical variation, residue mobility, and thermodynamic stability) indicates that this missense variant is not expected to disrupt HCN4 protein function with a negative predictive value of 95%. In summary, the available evidence is currently insufficient to determine the role of this variant in disease. Therefore, it has been classified as a Variant of Uncertain Significance.

Ambry Genetics
Classification: Uncertain significance for Cardiovascular phenotype. Last evaluated: 2022-08-03. Review status: criteria provided, single submitter. Criteria: Ambry Variant Classification Scheme 2023. Collection method: clinical testing. Allele origin: germline.
Comment: The p.V1195L variant (also known as c.3583G>T), located in coding exon 8 of the HCN4 gene, results from a G to T substitution at nucleotide position 3583. The valine at codon 1195 is replaced by leucine, an amino acid with highly similar properties. In vivo studies suggest this alteration does not impact protein function (Jou CJ et al. Cell Physiol Biochem, 2017 Aug;42:2021-2029). This amino acid position is well conserved in available vertebrate species. In addition, the in silico prediction for this alteration is inconclusive. Since supporting evidence is limited at this time, the clinical significance of this alteration remains unclear.

Literature cited by the submitters: PubMed 28803248 (cited by Ambry Genetics).

NM_005477.3(HCN4):c.3583G>T (p.Val1195Leu)

Gene: HCN4 (hyperpolarization activated cyclic nucleotide gated potassium channel 4; minus strand). Cytogenetic location: 15q24.1.
Variant type: single nucleotide variant.
Coding change: c.3583G>T on transcript NM_005477.3 (MANE Select); coding-DNA position 3583, G replaced by T.
Protein change: p.Val1195Leu; replaces valine 1195 with leucine.
Molecular consequence: missense variant.
Genome position (GRCh38, 1-based): chr15:73,322,510, C>A on the plus strand (G>T on the coding strand, the complement: HCN4 is on the minus strand). VCF-style: chr15-73322510-C-A. GRCh37 (hg19) VCF-style: chr15-73614851-C-A.
Other names: short protein forms V1195L.
Identifiers: ClinVar variation 1732918 (VCV001732918.4), dbSNP rs143431889, ClinGen allele CA7648798.